The following is an entry in ClinVar:

NM_015937.6(PIGT):c.1043dup (p.Val349fs)

Gene: PIGT (phosphatidylinositol glycan anchor biosynthesis class T; plus strand). Cytogenetic location: 20q13.12.
Variant type: Duplication.
Coding change: c.1043dup on transcript NM_015937.6 (MANE Select); coding-DNA position 1043, one base duplicated (C; older notation c.1043dupC).
Protein change: p.Val349fs; shifts the reading frame from valine 349.
Molecular consequence: frameshift variant. On other transcripts: non-coding transcript variant (5), intron variant (1).
Genome position (GRCh38, 1-based): chr20:45,421,392, C duplicated; the last of 7 consecutive C bases (chr20:45,421,386-45,421,392); duplicating any one gives the same sequence. VCF-style (leftmost placement, unchanged base first): chr20-45421385-G-GC. GRCh37 (hg19) VCF-style: chr20-44050025-G-GC.
Other names: c.875dup, p.Val293fs (NM_001184728.3); c.737dup, p.Val247fs (NM_001184730.3); c.1033+699dup (NM_001184729.3); short protein forms V247fs, V293fs, V349fs.
Identifiers: ClinVar variation 1217438 (VCV001217438.11), dbSNP rs749895437, ClinGen allele CA9878147.

ClinVar aggregate classification (germline): Pathogenic/Likely pathogenic. Review status: criteria provided, multiple submitters, no conflicts (2 of 4 stars). 3 submissions from 3 submitters: Pathogenic (2); Likely pathogenic (1). Last evaluated 2025-11-19.

Conditions:
Multiple congenital anomalies-hypotonia-seizures syndrome 3 (MCAHS3). Also called: GLYCOSYLPHOSPHATIDYLINOSITOL BIOSYNTHESIS DEFECT 7. Identifiers: Orphanet 369837, MedGen C3809356, MONDO:0014165, OMIM 615398.

Submissions (3):

GeneDx
Classification: Pathogenic. Last evaluated: 2025-11-19. Review status: criteria provided, single submitter. Criteria: GeneDx Variant Classification Process June 2021. Collection method: clinical testing. Allele origin: germline. Affected: yes.
Comment: Frameshift variant predicted to result in protein truncation or nonsense mediated decay in a gene for which loss of function is a known mechanism of disease; Not observed at significant frequency in large population cohorts (gnomAD); Has not been previously published as pathogenic or benign to our knowledge

Revvity Omics, Revvity
Classification: Likely pathogenic. Last evaluated: 2024-09-26. Review status: criteria provided, single submitter. Criteria: ACMG Guidelines, 2015. Collection method: clinical testing. Allele origin: germline.

Labcorp Genetics (formerly Invitae), Labcorp
Classification: Pathogenic for Multiple congenital anomalies-hypotonia-seizures syndrome 3. Last evaluated: 2023-06-23. Review status: criteria provided, single submitter. Criteria: Invitae Variant Classification Sherloc (09022015). Collection method: clinical testing. Allele origin: germline.
Comment: This sequence change creates a premature translational stop signal (p.Val349Serfs*99) in the PIGT gene. It is expected to result in an absent or disrupted protein product. Loss-of-function variants in PIGT are known to be pathogenic (PMID: 24906948, 25943031). The frequency data for this variant in the population databases is considered unreliable, as metrics indicate poor data quality at this position in the gnomAD database. This variant has not been reported in the literature in individuals affected with PIGT-related conditions. ClinVar contains an entry for this variant (Variation ID: 1217438). For these reasons, this variant has been classified as Pathogenic.

Literature cited by the submitters: PubMed 24906948 (cited by Labcorp Genetics (formerly Invitae), Labcorp); PubMed 25943031 (cited by Labcorp Genetics (formerly Invitae), Labcorp).